The following is an entry in ClinVar:

NM_015261.3(NCAPD3):c.*8C>T

Gene: NCAPD3 (non-SMC condensin II complex subunit D3; minus strand). Cytogenetic location: 11q25.
Variant type: single nucleotide variant.
Coding change: c.*8C>T on transcript NM_015261.3 (MANE Select); 8 bases downstream of the stop codon, C replaced by T.
Molecular consequence: 3 prime UTR variant. On other transcripts: intron variant (1).
Genome position (GRCh38, 1-based): chr11:134,152,936, G>A on the plus strand (C>T on the coding strand, the complement: NCAPD3 is on the minus strand). VCF-style: chr11-134152936-G-A. GRCh37 (hg19) VCF-style: chr11-134022831-G-A.
Other names: c.*8C>T (NM_001372068.1, NM_001372069.1, NM_001372070.1); c.4327+353C>T (NM_001372065.1).
Identifiers: ClinVar variation 3354212 (VCV003354212.1).

ClinVar aggregate classification (germline): Likely benign (0 of 4 stars; one submission).

Conditions:
NCAPD3-related disorder. Also called: NCAPD3-related condition.

gnomAD v4.1: 109 of 1,532,560 alleles (0.0071%); highest among the groups gnomAD compares: African/African-American, 0.11%; no homozygotes.

Submission:

PreventionGenetics, part of Exact Sciences
Classification: Likely benign for NCAPD3-related condition. Last evaluated: 2024-08-20. Review status: no assertion criteria provided. Collection method: clinical testing. Allele origin: germline.
Comment: This variant is classified as likely benign based on ACMG/AMP sequence variant interpretation guidelines (Richards et al. 2015 PMID: 25741868, with internal and published modifications).